The following continues an entry in ClinVar:

NM_000492.4(CFTR):c.1523T>G (p.Phe508Cys)

ClinVar aggregate classification (germline): Conflicting classifications of pathogenicity. Pathogenic (3); Likely pathogenic (1); Uncertain significance (6); Benign (7); Likely benign (3).

Submissions 14 to 23 of 23:

Johns Hopkins Genomics, Johns Hopkins University
Classification: Benign for Cystic fibrosis. Last evaluated: 2019-10-30. Review status: criteria provided, single submitter. Criteria: ACMG Guidelines, 2015. Collection method: clinical testing. Allele origin: germline.

Genome Diagnostics Laboratory, The Hospital for Sick Children
Classification: Benign for Cystic fibrosis. Last evaluated: 2019-10-02. Review status: criteria provided, single submitter. Criteria: ACMG Guidelines, 2015. Collection method: clinical testing. Allele origin: germline.

CFTR-France
Classification: Pathogenic for CFTR-related disorders. Last evaluated: 2018-01-29. Review status: criteria provided, single submitter. Criteria: Claustres M et al. (Hum Mutat 2017). Collection method: curation. Allele origin: germline. Affected: yes.

Illumina Laboratory Services, Illumina
Classification: Uncertain significance for CFTR-Related Disorders. Last evaluated: 2017-04-28. Review status: criteria provided, single submitter. Criteria: ICSL Variant Classification Criteria 13 December 2019. Collection method: clinical testing. Allele origin: germline.
Comment: This variant was observed as part of a predisposition screen in an ostensibly healthy population. A literature search was performed for the gene, cDNA change, and amino acid change (where applicable). Publications were found based on this search. However, the evidence from the literature, in combination with allele frequency data from public databases where available, was not sufficient to rule this variant in or out of causing disease. Therefore, this variant is classified as a variant of unknown significance.

Laboratory for Molecular Medicine, Mass General Brigham Personalized Medicine
Classification: Uncertain significance. Last evaluated: 2016-04-25. Review status: criteria provided, single submitter. Criteria: LMM Criteria. Collection method: clinical testing. Allele origin: germline.
Comment: Variant identified in a genome or exome case(s) and assessed due to predicted null impact of the variant or pathogenic assertions in the literature or databases. Disclaimer: This variant has not undergone full assessment. The following are preliminary notes: Benign by Emory. Compund heterozygotes foe this variant and %508del variant were clinically normal, therefore this variant has been classified as benign by Kobayashi et al 1990. Frequency of the variant was higher in individuals with CBAVD (Havasi 2008). Phenotype does not meet reporting criteria.

Eurofins Ntd Llc (ga)
Classification: Benign. Last evaluated: 2016-04-14. Review status: criteria provided, single submitter. Criteria: EGL Classification Definitions 2015. Collection method: clinical testing. Allele origin: germline. Observed: 9 variant alleles, 9 heterozygotes.

PreventionGenetics, part of Exact Sciences
Classification: Benign. Review status: criteria provided, single submitter. Criteria: ACMG Guidelines, 2015. Collection method: clinical testing. Allele origin: germline.

Genome Diagnostics Laboratory, The Hospital for Sick Children
Classification: Uncertain significance for CFTR-related disorders. Last evaluated: 2019-10-02. Review status: no assertion criteria provided. Collection method: clinical testing. Allele origin: germline. Not counted in ClinVar's aggregate classification.

OMIM
Classification: Benign for CFTR POLYMORPHISM. Last evaluated: 1990-10-01. Review status: no assertion criteria provided. Collection method: literature only. Allele origin: germline. Not counted in ClinVar's aggregate classification.

MAGI's Lab - Research, MAGI Group
Classification: Uncertain significance for Infertility disorder. Review status: no assertion criteria provided. Collection method: provider interpretation. Allele origin: germline. Affected: yes. Not counted in ClinVar's aggregate classification.

Literature cited by the submitters: PubMed 1977306 (cited by 5 submitters); PubMed 19092444 (cited by 4 submitters); PubMed 37628659 (cited by Dasa); PubMed 7508183 (cited by Dasa and Illumina Laboratory Services, Illumina); PubMed 27171515 (cited by Dasa and Quest Diagnostics Nichols Institute San Juan Capistrano); PubMed 29805046 (cited by 3 submitters); PubMed 15619635 (cited by 3 submitters); PubMed 1284535 (cited by Ambry Genetics); PubMed 16484308 (cited by 3 submitters); PubMed 23716676 (cited by Ambry Genetics); PubMed 7686336 (cited by Quest Diagnostics Nichols Institute San Juan Capistrano and Illumina Laboratory Services, Illumina); PubMed 22020151 (cited by Quest Diagnostics Nichols Institute San Juan Capistrano); PubMed 22658665 (cited by Quest Diagnostics Nichols Institute San Juan Capistrano and Illumina Laboratory Services, Illumina); PubMed 22975760 (cited by Quest Diagnostics Nichols Institute San Juan Capistrano and Illumina Laboratory Services, Illumina); PubMed 9108869 (cited by Quest Diagnostics Nichols Institute San Juan Capistrano); PubMed 26538069 (cited by Quest Diagnostics Nichols Institute San Juan Capistrano); PubMed 25287046 (cited by Quest Diagnostics Nichols Institute San Juan Capistrano); PubMed 24631642 (cited by Quest Diagnostics Nichols Institute San Juan Capistrano); PubMed 23846440 (cited by Quest Diagnostics Nichols Institute San Juan Capistrano); PubMed 24418186 (cited by Quest Diagnostics Nichols Institute San Juan Capistrano); PubMed 24451227 (cited by Quest Diagnostics Nichols Institute San Juan Capistrano); PubMed 7682884 (cited by Illumina Laboratory Services, Illumina); PubMed 26900683 (cited by Illumina Laboratory Services, Illumina); PubMed 9272157 (cited by Illumina Laboratory Services, Illumina); PubMed 1384326 (cited by Illumina Laboratory Services, Illumina).